The following is an entry in ClinVar:

ClinVar aggregate classification (germline): Conflicting classifications of pathogenicity. Review status: criteria provided, conflicting classifications (1 of 4 stars). 2 submissions from 2 submitters: Uncertain significance (1); Benign (1). Last evaluated 2025-08-18.

Conditions:
Neurofibromatosis, type 1 (NF1). Also called: NEUROFIBROMATOSIS, TYPE I, SOMATIC; Peripheral type neurofibromatosis; Neurofibromatosis, type I; VON RECKLINGHAUSEN DISEASE. Identifiers: Orphanet 636, MedGen C0027831, MONDO:0018975, OMIM 162200. Disease mechanism: loss of function.

Allele frequency attached by ClinVar (database versions not stated): gnomAD exomes below 0.00001.
gnomAD v4.1: 1 of 1,614,176 alleles (0.000062%); highest among the groups gnomAD compares: Middle Eastern, 0.016%; no homozygotes.

Submissions (2):

Labcorp Genetics (formerly Invitae), Labcorp
Classification: Benign for Neurofibromatosis, type 1. Last evaluated: 2025-08-18. Review status: criteria provided, single submitter. Criteria: Invitae Variant Classification Sherloc (09022015). Collection method: clinical testing. Allele origin: germline.

GeneDx
Classification: Uncertain significance. Last evaluated: 2019-12-12. Review status: criteria provided, single submitter. Criteria: GeneDx Variant Classification Process June 2021. Collection method: clinical testing. Allele origin: germline. Affected: yes.
Comment: Not observed in large population cohorts (Lek et al., 2016); In silico analysis, which includes protein predictors and evolutionary conservation, supports a deleterious effect; Has not been previously published as pathogenic or benign to our knowledge

NM_001042492.3(NF1):c.7012C>T (p.Leu2338Phe)

Gene: NF1 (neurofibromin 1; plus strand). Cytogenetic location: 17q11.2.
Variant type: single nucleotide variant.
Coding change: c.7012C>T on transcript NM_001042492.3 (MANE Select); coding-DNA position 7012, C replaced by T.
Protein change: p.Leu2338Phe; replaces leucine 2338 with phenylalanine.
Molecular consequence: missense variant.
Genome position (GRCh38, 1-based): chr17:31,340,595, C>T. VCF-style: chr17-31340595-C-T. GRCh37 (hg19) VCF-style: chr17-29667613-C-T.
Other names: c.6949C>T, p.Leu2317Phe (NM_000267.4); short protein forms L2317F, L2338F.
Identifiers: ClinVar variation 1320440 (VCV001320440.5), dbSNP rs1597848149, ClinGen allele CA399015029.